The following is an entry in ClinVar:

NM_001195263.2(PDZD7):c.1529dup (p.Val511fs)

Gene: PDZD7 (PDZ domain containing 7; minus strand). Cytogenetic location: 10q24.31.
Variant type: Duplication.
Coding change: c.1529dup on transcript NM_001195263.2 (MANE Select); coding-DNA position 1529, one base duplicated (G; older notation c.1529dupG).
Protein change: p.Val511fs; shifts the reading frame from valine 511.
Molecular consequence: frameshift variant.
Genome position (GRCh38, 1-based): chr10:101,016,421, C duplicated on the plus strand (G on the coding strand, the reverse complement: PDZD7 is on the minus strand); the first of 5 consecutive C bases (chr10:101,016,421-101,016,425); duplicating any one gives the same sequence. VCF-style (leftmost placement, unchanged base first): chr10-101016420-G-GC. GRCh37 (hg19) VCF-style: chr10-102776177-G-GC.
Other names: short protein forms V511fs.
Identifiers: ClinVar variation 1458880 (VCV001458880.6), dbSNP rs2134026711, ClinGen allele CA2573145521.

ClinVar aggregate classification (germline): Pathogenic (1 of 4 stars; one submission).

Submission:

Labcorp Genetics (formerly Invitae), Labcorp
Classification: Pathogenic. Last evaluated: 2022-08-23. Review status: criteria provided, single submitter. Criteria: Invitae Variant Classification Sherloc (09022015). Collection method: clinical testing. Allele origin: germline.
Comment: This sequence change creates a premature translational stop signal (p.Val511Argfs*15) in the PDZD7 gene. It is expected to result in an absent or disrupted protein product. Loss-of-function variants in PDZD7 are known to be pathogenic (PMID: 20440071). This variant is not present in population databases (gnomAD no frequency). This variant has not been reported in the literature in individuals affected with PDZD7-related conditions. ClinVar contains an entry for this variant (Variation ID: 1458880). For these reasons, this variant has been classified as Pathogenic.

Literature cited by the submitters: PubMed 20440071.